The following is an entry in ClinVar:

NM_000277.3(PAH):c.802T>C (p.Tyr268His)

Gene: PAH (phenylalanine hydroxylase; minus strand). Cytogenetic location: 12q23.2.
Variant type: single nucleotide variant.
Coding change: c.802T>C on transcript NM_000277.3 (MANE Select); coding-DNA position 802, T replaced by C.
Protein change: p.Tyr268His; replaces tyrosine 268 with histidine.
Molecular consequence: missense variant.
Genome position (GRCh38, 1-based): chr12:102,852,855, A>G on the plus strand (T>C on the coding strand, the complement: PAH is on the minus strand). VCF-style: chr12-102852855-A-G. GRCh37 (hg19) VCF-style: chr12-103246633-A-G.
Other names: NM_000277.2(PAH):c.802T>C; c.802T>C, p.Tyr268His (NM_001354304.2); short protein forms Y268H.
Identifiers: ClinVar variation 102841 (VCV000102841.2), dbSNP rs62507263, ClinGen allele CA229773.
Genomic context (GRCh38, chr12:102,852,855, plus strand): 5'-AGCTGGAGGACAGTACTCACGGTTCGGGGGTATACATGGGCTTGGATCCATGTCTGATGT[A>G]CTGTGTGCAGTGGAAGACTCGGAAGGCCAGGCCACCCAAGAAATCCCGAGAGGAAAGCAG-3'
Protein context (NP_000268.1, residues 258-278): LAFRVFHCTQ[Tyr268His]IRHGSKPMYT

ClinVar aggregate classification (germline): Uncertain significance. Review status: reviewed by expert panel (3 of 4 stars). 2 submissions from 2 submitters: Uncertain significance (1). 1 of the submissions does not count toward it. Last evaluated 2018-12-10.

Conditions:
Phenylketonuria (PKU). Also called: Phenylketonuria (PKU); FOLLING DISEASE; OLIGOPHRENIA PHENYLPYRUVICA; Phenylketonurias. Identifiers: Orphanet 716, MedGen C0031485, MONDO:0009861, OMIM 261600. Disease mechanism: loss of function.

Allele frequency attached by ClinVar (database versions not stated): gnomAD exomes below 0.00001.
gnomAD v4.1: 1 of 1,614,102 alleles (0.000062%); no homozygotes.

Submissions (2):

ClinGen PAH Variant Curation Expert Panel
Classification: Uncertain significance for Phenylketonuria. Last evaluated: 2018-12-10. Review status: reviewed by expert panel. Criteria: ClinGen PAH ACMG Specifications v1. Collection method: curation. Allele origin: germline. Inheritance: Autosomal recessive inheritance.
Comment: The c.802T>C (p.Tyr268His) variant in PAH has not been reported in the literature to our knowledge. The reference in BioPKU/PAHdb (Eisensmith, 1996) does not include this variant. It is absent from ExAC, 1000G, and ESP, with Extremely low frequency in gnomAD (0.000004063). A deleterious effect is predicted in SIFT, Polyphen2, MutationTaster, and REVEL=0.977. . In summary, this variant meets criteria to be classified as uncertain significance for PAH. PAH-specific ACMG/AMP criteria applied: PM2, PP3.

DeBelle Laboratory for Biochemical Genetics, MUHC/MCH RESEARCH INSTITUTE
No classification provided. Review status: no classification provided. Collection method: not provided. Allele origin: not provided. Not counted in ClinVar's aggregate classification.